The following is an entry in ClinVar:

ClinVar aggregate classification (germline): Uncertain significance (1 of 4 stars; one submission).

gnomAD v4.1: 2 of 1,606,026 alleles (0.00012%); highest among the groups gnomAD compares: South Asian, 0.0011%; no homozygotes.

Submission:

Labcorp Genetics (formerly Invitae), Labcorp
Classification: Uncertain significance. Last evaluated: 2024-04-02. Review status: criteria provided, single submitter. Criteria: Invitae Variant Classification Sherloc (09022015). Collection method: clinical testing. Allele origin: germline.
Comment: This sequence change replaces cysteine, which is neutral and slightly polar, with arginine, which is basic and polar, at codon 556 of the ROR2 protein (p.Cys556Arg). This variant is not present in population databases (gnomAD no frequency). This variant has not been reported in the literature in individuals affected with ROR2-related conditions. Advanced modeling of protein sequence and biophysical properties (such as structural, functional, and spatial information, amino acid conservation, physicochemical variation, residue mobility, and thermodynamic stability) performed at Invitae indicates that this missense variant is not expected to disrupt ROR2 protein function with a negative predictive value of 80%. In summary, the available evidence is currently insufficient to determine the role of this variant in disease. Therefore, it has been classified as a Variant of Uncertain Significance.

NM_004560.4(ROR2):c.1666T>C (p.Cys556Arg)

Gene: ROR2 (receptor tyrosine kinase like orphan receptor 2; minus strand). Cytogenetic location: 9q22.31.
Variant type: single nucleotide variant.
Coding change: c.1666T>C on transcript NM_004560.4 (MANE Select); coding-DNA position 1666, T replaced by C.
Protein change: p.Cys556Arg; replaces cysteine 556 with arginine.
Molecular consequence: missense variant.
Genome position (GRCh38, 1-based): chr9:91,724,828, A>G on the plus strand (T>C on the coding strand, the complement: ROR2 is on the minus strand). VCF-style: chr9-91724828-A-G. GRCh37 (hg19) VCF-style: chr9-94487110-A-G.
Other names: short protein forms C556R.
Identifiers: ClinVar variation 3648580 (VCV003648580.2).